The following is an entry in ClinVar:

ClinVar aggregate classification (germline): Benign/Likely benign. Review status: criteria provided, multiple submitters, no conflicts (2 of 4 stars). 4 submissions from 4 submitters: Benign (1); Likely benign (3). Last evaluated 2026-07-02.

Conditions:
Sessile serrated polyposis cancer syndrome (SSPCS). Identifiers: Orphanet 157798, MedGen C4310714, MONDO:0014919, OMIM 617108.

Allele frequency attached by ClinVar (database versions not stated): 1000 Genomes Project 0.00020; TOPMed 0.00003; gnomAD 0.00005 and 0.00004; 1000 Genomes Project 30x 0.00016; gnomAD exomes 0.00002 and 0.00004; ExAC 0.00003.
gnomAD v4.1: 58 of 1,614,136 alleles (0.0036%); highest among the groups gnomAD compares: Non-Finnish European, 0.0049%; no homozygotes.

Submissions (4):

Myriad Genetics, Inc.
Classification: Benign for Sessile serrated polyposis cancer syndrome. Last evaluated: 2026-07-02. Review status: criteria provided, single submitter. Criteria: Myriad Autosomal Dominant, Autosomal Recessive and X-Linked Classification Criteria (2023). Collection method: clinical testing. Allele origin: unknown.
Comment: This variant is considered benign. This variant is a silent/synonymous amino acid change and it is not expected to impact splicing.

Center for Genomic Medicine, Rigshospitalet, Copenhagen University Hospital
Classification: Likely benign. Last evaluated: 2025-03-04. Review status: criteria provided, single submitter. Criteria: ACMG Guidelines, 2015. Collection method: clinical testing. Allele origin: germline.

Ambry Genetics
Classification: Likely benign. Last evaluated: 2024-12-17. Review status: criteria provided, single submitter. Criteria: Ambry Variant Classification Scheme 2023. Collection method: clinical testing. Allele origin: germline.

Labcorp Genetics (formerly Invitae), Labcorp
Classification: Likely benign. Last evaluated: 2023-09-21. Review status: criteria provided, single submitter. Criteria: Invitae Variant Classification Sherloc (09022015). Collection method: clinical testing. Allele origin: germline.

NM_017763.6(RNF43):c.1902C>G (p.Pro634=)

Gene: RNF43 (ring finger protein 43; minus strand). Cytogenetic location: 17q22.
Variant type: single nucleotide variant.
Coding change: c.1902C>G on transcript NM_017763.6 (MANE Select); coding-DNA position 1902, C replaced by G.
Protein change: p.Pro634=; no amino-acid change (proline 634 retained).
Molecular consequence: synonymous variant.
Genome position (GRCh38, 1-based): chr17:58,357,874, G>C on the plus strand (C>G on the coding strand, the complement: RNF43 is on the minus strand). VCF-style: chr17-58357874-G-C. GRCh37 (hg19) VCF-style: chr17-56435235-G-C.
Other names: c.1902C>G (NM_017763.4); c.1902C>G, p.Pro634= (NM_001305544.3); c.1521C>G, p.Pro507= (NM_001305545.2).
Identifiers: ClinVar variation 1595440 (VCV001595440.17), dbSNP rs200818613, ClinGen allele CA8673095.